The following is an entry in ClinVar:

NM_017777.4(MKS1):c.812dup (p.His271fs)

Gene: MKS1 (MKS transition zone complex subunit 1; minus strand). Cytogenetic location: 17q22.
Variant type: Duplication.
Coding change: c.812dup on transcript NM_017777.4 (MANE Select); coding-DNA position 812, one base duplicated (A; older notation c.812dupA).
Protein change: p.His271fs; shifts the reading frame from histidine 271.
Molecular consequence: frameshift variant.
Genome position (GRCh38, 1-based): chr17:58,213,028, T duplicated on the plus strand (A on the coding strand, the reverse complement: MKS1 is on the minus strand). VCF-style (leftmost placement, unchanged base first): chr17-58213027-G-GT. GRCh37 (hg19) VCF-style: chr17-56290388-G-GT.
Other names: c.203dup, p.His68fs (NM_001321268.2); c.812dup, p.His271fs (NM_001321269.2, NM_001330397.2); c.812dup, p.His271Glnfs (NM_001411113.1); short protein forms H271fs, H68fs.
Identifiers: ClinVar variation 1949214 (VCV001949214.5), dbSNP rs1567801728, ClinGen allele CA626730131.

ClinVar aggregate classification (germline): Pathogenic/Likely pathogenic. Review status: criteria provided, multiple submitters, no conflicts (2 of 4 stars). 2 submissions from 2 submitters: Pathogenic (1); Likely pathogenic (1). Last evaluated 2025-08-15.

Conditions:
Joubert syndrome. Also called: CEREBELLOPARENCHYMAL DISORDER IV; JOUBERT-BOLTSHAUSER SYNDROME; Familial aplasia of the vermis. Identifiers: Orphanet 475, MedGen C5979921, MONDO:0018772.
Meckel-Gruber syndrome. Also called: DYSENCEPHALIA SPLANCHNOCYSTICA; GRUBER SYNDROME; Dysencephalia splachnocystica. Identifiers: Orphanet 564, MedGen C0265215, MONDO:0018921.
Meckel syndrome, type 1 (MKS1). Also called: MECKEL-GRUBER SYNDROME, TYPE 1. Identifiers: Orphanet 564, MedGen C3714506, MONDO:0009571, OMIM 249000.

Allele frequency attached by ClinVar (database versions not stated): gnomAD exomes below 0.00001.

Submissions (2):

Natera, Inc.
Classification: Likely pathogenic for Meckel syndrome type 1. Last evaluated: 2025-08-15. Review status: criteria provided, single submitter. Criteria: Natera Variant Classification Schema (03/2026). Collection method: clinical testing. Allele origin: germline.
Comment: The c.812dup variant in MKS1 is a frameshift variant predicted to shift the reading frame beginning at codon 271 and leads to a stop codon 34 codons downstream. This variant is expected to result in nonsense mediated decay, truncation, or a dysfunctional protein product. This variant is rare in the general population with a frequency below the threshold expected for the associated phenotype(s). Given the available evidence, this variant is classified as Likely Pathogenic.

Labcorp Genetics (formerly Invitae), Labcorp
Classification: Pathogenic for Joubert syndrome; Meckel-Gruber syndrome. Last evaluated: 2023-07-17. Review status: criteria provided, single submitter. Criteria: Invitae Variant Classification Sherloc (09022015). Collection method: clinical testing. Allele origin: germline.
Comment: This sequence change creates a premature translational stop signal (p.His271Glnfs*34) in the MKS1 gene. It is expected to result in an absent or disrupted protein product. Loss-of-function variants in MKS1 are known to be pathogenic (PMID: 19466712, 24886560, 26490104). This variant is present in population databases (no rsID available, gnomAD 0.006%). This variant has not been reported in the literature in individuals affected with MKS1-related conditions. ClinVar contains an entry for this variant (Variation ID: 1949214). For these reasons, this variant has been classified as Pathogenic.

Literature cited by the submitters: PubMed 19466712 (cited by Labcorp Genetics (formerly Invitae), Labcorp); PubMed 24886560 (cited by Labcorp Genetics (formerly Invitae), Labcorp); PubMed 26490104 (cited by Labcorp Genetics (formerly Invitae), Labcorp).